The following is an entry in ClinVar:

NM_007059.4(KPTN):c.878G>A (p.Arg293Gln)

Gene: KPTN (kaptin, actin binding protein; minus strand). Cytogenetic location: 19q13.32.
Variant type: single nucleotide variant.
Coding change: c.878G>A on transcript NM_007059.4 (MANE Select); coding-DNA position 878, G replaced by A.
Protein change: p.Arg293Gln; replaces arginine 293 with glutamine.
Molecular consequence: missense variant. On other transcripts: non-coding transcript variant (1).
Genome position (GRCh38, 1-based): chr19:47,476,924, C>T on the plus strand (G>A on the coding strand, the complement: KPTN is on the minus strand). VCF-style: chr19-47476924-C-T. GRCh37 (hg19) VCF-style: chr19-47980181-C-T.
Other names: c.710G>A, p.Arg237Gln (NM_001291296.2); short protein forms R293Q, R237Q.
Identifiers: ClinVar variation 2727887 (VCV002727887.4), dbSNP rs1193041866, ClinGen allele CA406601588.

ClinVar aggregate classification (germline): Uncertain significance. Review status: criteria provided, multiple submitters, no conflicts (2 of 4 stars). 2 submissions from 2 submitters: Uncertain significance (2). Last evaluated 2023-05-24.

Conditions:
Macrocephaly-developmental delay syndrome (MRT41). Also called: INTELLECTUAL DEVELOPMENTAL DISORDER, AUTOSOMAL RECESSIVE 41. Identifiers: Orphanet 397612, MedGen C3810225, MONDO:0014289, OMIM 615637.

Allele frequency attached by ClinVar (database versions not stated): gnomAD exomes 0.00002; gnomAD 0.00003; TOPMed 0.00005.
gnomAD v4.1: 33 of 1,557,114 alleles (0.0021%); highest among the groups gnomAD compares: East Asian, 0.019%; no homozygotes.

Submissions (2):

Laboratorio de Genetica e Diagnostico Molecular, Hospital Israelita Albert Einstein
Classification: Uncertain significance for Macrocephaly-developmental delay syndrome. Last evaluated: 2023-05-24. Review status: criteria provided, single submitter. Criteria: ACMG Guidelines, 2015. Collection method: clinical testing. Allele origin: germline. Affected: yes.
Comment: ACMG classification criteria: PM2 moderate, BP4 supporting

Labcorp Genetics (formerly Invitae), Labcorp
Classification: Uncertain significance for Macrocephaly-developmental delay syndrome. Last evaluated: 2022-11-15. Review status: criteria provided, single submitter. Criteria: Invitae Variant Classification Sherloc (09022015). Collection method: clinical testing. Allele origin: germline.
Comment: Advanced modeling of protein sequence and biophysical properties (such as structural, functional, and spatial information, amino acid conservation, physicochemical variation, residue mobility, and thermodynamic stability) performed at Invitae indicates that this missense variant is not expected to disrupt KPTN protein function. This variant has not been reported in the literature in individuals affected with KPTN-related conditions. This variant is present in population databases (no rsID available, gnomAD 0.04%). This sequence change replaces arginine, which is basic and polar, with glutamine, which is neutral and polar, at codon 293 of the KPTN protein (p.Arg293Gln). In summary, the available evidence is currently insufficient to determine the role of this variant in disease. Therefore, it has been classified as a Variant of Uncertain Significance.